The following is an entry in ClinVar:

NM_018124.4(RFWD3):c.27T>C (p.Asp9=)

Gene: RFWD3 (ring finger and WD repeat domain 3; minus strand). Cytogenetic location: 16q23.1.
Variant type: single nucleotide variant.
Coding change: c.27T>C on transcript NM_018124.4 (MANE Select); coding-DNA position 27, T replaced by C.
Protein change: p.Asp9=; no amino-acid change (aspartic acid 9 retained).
Molecular consequence: synonymous variant. On other transcripts: 5 prime UTR variant (4), intron variant (1).
Genome position (GRCh38, 1-based): chr16:74,661,423, A>G on the plus strand (T>C on the coding strand, the complement: RFWD3 is on the minus strand). VCF-style: chr16-74661423-A-G. GRCh37 (hg19) VCF-style: chr16-74695321-A-G.
Other names: c.27T>C, p.Asp9= (NM_001370534.1, NM_001370535.1, NM_001370536.1); c.-982T>C (NM_001370537.1); c.-605T>C (NM_001370539.1, NM_001370541.1); c.-859T>C (NM_001370542.1); c.-737T>C (NM_001370543.1); c.-317+3201T>C (NM_001370540.1); c.27T>C (NM_018124.3).
Identifiers: ClinVar variation 2040880 (VCV002040880.6), dbSNP rs372652567, ClinGen allele CA8169673.

ClinVar aggregate classification (germline): Likely benign. Review status: criteria provided, single submitter (1 of 4 stars). 2 submissions from 2 submitters: Likely benign (1). 1 of the submissions does not count toward it. Last evaluated 2025-02-17.

Conditions:
RFWD3-related disorder. Also called: RFWD3-related condition.

Allele frequency attached by ClinVar (database versions not stated): gnomAD exomes 0.00003; ExAC 0.00010; gnomAD 0.00025; ESP Exome Variant Server 0.00038.
gnomAD v4.1: 83 of 1,611,360 alleles (0.0052%); highest among the groups gnomAD compares: African/African-American, 0.081%; no homozygotes.

Submissions (2):

Labcorp Genetics (formerly Invitae), Labcorp
Classification: Likely benign. Last evaluated: 2025-02-17. Review status: criteria provided, single submitter. Criteria: Invitae Variant Classification Sherloc (09022015). Collection method: clinical testing. Allele origin: germline.

PreventionGenetics, part of Exact Sciences
Classification: Likely benign for RFWD3-related condition. Last evaluated: 2019-08-21. Review status: no assertion criteria provided. Collection method: clinical testing. Allele origin: germline. Not counted in ClinVar's aggregate classification.
Comment: This variant is classified as likely benign based on ACMG/AMP sequence variant interpretation guidelines (Richards et al. 2015 PMID: 25741868, with internal and published modifications).